The following is an entry in ClinVar:

NM_201253.3(CRB1):c.2297G>A (p.Trp766Ter)

Gene: CRB1 (crumbs cell polarity complex component 1; plus strand). Cytogenetic location: 1q31.3.
Variant type: single nucleotide variant.
Coding change: c.2297G>A on transcript NM_201253.3 (MANE Select); coding-DNA position 2297, G replaced by A.
Protein change: p.Trp766Ter; replaces tryptophan 766 with a stop codon.
Molecular consequence: nonsense. On other transcripts: non-coding transcript variant (2), intron variant (1).
Genome position (GRCh38, 1-based): chr1:197,427,622, G>A. VCF-style: chr1-197427622-G-A. GRCh37 (hg19) VCF-style: chr1-197396752-G-A.
Other names: c.2128+5666G>A (NM_001257966.2); c.1961G>A, p.Trp654Ter (NM_001193640.2); c.2090G>A, p.Trp697Ter (NM_001257965.2); short protein forms W654*, W697*, W766*.
Identifiers: ClinVar variation 2952282 (VCV002952282.3), dbSNP rs2528148995, ClinGen allele CA344036920.
Genomic context (GRCh38, chr1:197,427,622, plus strand): 5'-TTCAACCATCAGGCTTACTTCTAGCTTTGGAAAACAGCACTTATCAATATATCCGTGTCT[G>A]GCTAGAGCGCGGCAGACTAGCAATGCTGACTCCAAACTCTCCCAAATTAGTAGTAAAATT-3'

ClinVar aggregate classification (germline): Pathogenic (1 of 4 stars; one submission).

Conditions:
Retinitis pigmentosa 12 (RP12). Also called: RP WITH OR WITHOUT PRESERVED PARAARTERIOLE RETINAL PIGMENT EPITHELIUM; RETINITIS PIGMENTOSA WITH OR WITHOUT PARAARTERIOLAR PRESERVATION OF RETINAL PIGMENT EPITHELIUM; RP WITH OR WITHOUT PPRPE. Identifiers: Orphanet 791, MedGen C1838647, MONDO:0010818, OMIM 600105.
Leber congenital amaurosis 8 (LCA8). Identifiers: Orphanet 65, MedGen C3151202, MONDO:0013453, OMIM 613835.

Allele frequency attached by ClinVar (database versions not stated): gnomAD exomes below 0.00001.
gnomAD v4.1: 1 of 1,613,940 alleles (0.000062%); highest among the groups gnomAD compares: East Asian, 0.0022%; no homozygotes.

Submission:

Labcorp Genetics (formerly Invitae), Labcorp
Classification: Pathogenic for Leber congenital amaurosis 8; Retinitis pigmentosa 12. Last evaluated: 2023-09-27. Review status: criteria provided, single submitter. Criteria: Invitae Variant Classification Sherloc (09022015). Collection method: clinical testing. Allele origin: germline.
Comment: For these reasons, this variant has been classified as Pathogenic. This premature translational stop signal has been observed in individual(s) with macular dystrophy (PMID: 33546218). This variant is not present in population databases (gnomAD no frequency). This sequence change creates a premature translational stop signal (p.Trp766*) in the CRB1 gene. It is expected to result in an absent or disrupted protein product. Loss-of-function variants in CRB1 are known to be pathogenic (PMID: 10508521, 22065545, 23379534, 25412400, 26957898, 28041643, 29391521).

Literature cited by the submitters: PubMed 33546218; PubMed 10508521; PubMed 22065545; PubMed 23379534; PubMed 25412400; PubMed 26957898; PubMed 28041643; PubMed 29391521.